The following is an entry in ClinVar:

ClinVar aggregate classification (germline): Uncertain significance (1 of 4 stars; one submission).

gnomAD v4.1: 2 of 1,611,350 alleles (0.00012%); highest among the groups gnomAD compares: Non-Finnish European, 0.00017%; no homozygotes.

Submission:

Ambry Genetics
Classification: Uncertain significance. Last evaluated: 2025-05-02. Review status: criteria provided, single submitter. Criteria: Ambry Variant Classification Scheme 2023. Collection method: clinical testing. Allele origin: germline.
Comment: The p.A291E variant (also known as c.872C>A), located in coding exon 9 of the SRP72 gene, results from a C to A substitution at nucleotide position 872. The alanine at codon 291 is replaced by glutamic acid, an amino acid with dissimilar properties. This amino acid position is conserved. In addition, the in silico prediction for this alteration is inconclusive. Based on the available evidence, the clinical significance of this variant remains unclear.

NM_006947.4(SRP72):c.872C>A (p.Ala291Glu)

Gene: SRP72 (signal recognition particle 72; plus strand). Cytogenetic location: 4q12.
Variant type: single nucleotide variant.
Coding change: c.872C>A on transcript NM_006947.4 (MANE Select); coding-DNA position 872, C replaced by A.
Protein change: p.Ala291Glu; replaces alanine 291 with glutamic acid.
Molecular consequence: missense variant. On other transcripts: non-coding transcript variant (1).
Genome position (GRCh38, 1-based): chr4:56,483,185, C>A. VCF-style: chr4-56483185-C-A. GRCh37 (hg19) VCF-style: chr4-57349351-C-A.
Other names: c.689C>A, p.Ala230Glu (NM_001267722.2); short protein forms A291E, A230E.
Identifiers: ClinVar variation 3962092 (VCV003962092.1).